The following is an entry in ClinVar:

NM_006231.4(POLE):c.1303G>C (p.Asp435His)

Gene: POLE (DNA polymerase epsilon, catalytic subunit; minus strand). Cytogenetic location: 12q24.33.
Variant type: single nucleotide variant.
Coding change: c.1303G>C on transcript NM_006231.4 (MANE Select); coding-DNA position 1303, G replaced by C.
Protein change: p.Asp435His; replaces aspartic acid 435 with histidine.
Molecular consequence: missense variant.
Genome position (GRCh38, 1-based): chr12:132,673,631, C>G on the plus strand (G>C on the coding strand, the complement: POLE is on the minus strand). VCF-style: chr12-132673631-C-G. GRCh37 (hg19) VCF-style: chr12-133250217-C-G.
Other names: c.1303G>C (NM_006231.2); short protein forms D435H.
Identifiers: ClinVar variation 1511642 (VCV001511642.9), dbSNP rs879254276, ClinGen allele CA387359387.

ClinVar aggregate classification (germline): Uncertain significance. Review status: criteria provided, multiple submitters, no conflicts (2 of 4 stars). 2 submissions from 2 submitters: Uncertain significance (2). Last evaluated 2026-08-13.

Conditions:
Hereditary cancer-predisposing syndrome. Also called: Hereditary Cancer Syndrome; Tumor predisposition; Neoplastic Syndromes, Hereditary; Hereditary neoplastic syndrome. Identifiers: Orphanet 140162, MedGen C0027672, MeSH D009386, MONDO:0015356.

Submissions (2):

Ambry Genetics
Classification: Uncertain significance for Hereditary cancer-predisposing syndrome. Last evaluated: 2026-08-13. Review status: criteria provided, single submitter. Criteria: Ambry Variant Classification Scheme 2023. Collection method: clinical testing. Allele origin: germline.
Comment: The p.D435H variant (also known as c.1303G>C), located in coding exon 13 of the POLE gene, results from a G to C substitution at nucleotide position 1303. The aspartic acid at codon 435 is replaced by histidine, an amino acid with similar properties. This amino acid position is conserved. In addition, the in silico prediction for this alteration is inconclusive. Based on the available evidence, the clinical significance of this variant remains unclear.

Labcorp Genetics (formerly Invitae), Labcorp
Classification: Uncertain significance. Last evaluated: 2025-10-26. Review status: criteria provided, single submitter. Criteria: Invitae Variant Classification Sherloc (09022015). Collection method: clinical testing. Allele origin: germline.
Comment: This sequence change replaces aspartic acid, which is acidic and polar, with histidine, which is basic and polar, at codon 435 of the POLE protein (p.Asp435His). This variant is not present in population databases (gnomAD no frequency). This variant has not been reported in the literature in individuals affected with POLE-related conditions. ClinVar contains an entry for this variant (Variation ID: 1511642). Invitae Evidence Modeling of protein sequence and biophysical properties (such as structural, functional, and spatial information, amino acid conservation, physicochemical variation, residue mobility, and thermodynamic stability) has been performed for this missense variant. However, the output from this modeling did not meet the statistical confidence thresholds required to predict the impact of this variant on POLE protein function. In summary, the available evidence is currently insufficient to determine the role of this variant in disease. Therefore, it has been classified as a Variant of Uncertain Significance.